The following is an entry in ClinVar:

NM_001267550.2(TTN):c.974T>C (p.Leu325Ser)

Gene: TTN (titin; minus strand). Cytogenetic location: 2q31.2.
Variant type: single nucleotide variant.
Coding change: c.974T>C on transcript NM_001267550.2 (MANE Select); coding-DNA position 974, T replaced by C.
Protein change: p.Leu325Ser; replaces leucine 325 with serine.
Molecular consequence: missense variant.
Genome position (GRCh38, 1-based): chr2:178,795,193, A>G on the plus strand (T>C on the coding strand, the complement: TTN is on the minus strand). VCF-style: chr2-178795193-A-G. GRCh37 (hg19) VCF-style: chr2-179659920-A-G.
Other names: p.L325S:TTG>TCG; c.974T>C, p.Leu325Ser (NM_001256850.1, NM_003319.4, NM_133378.4 and 3 more transcripts); short protein forms L325S.
Identifiers: ClinVar variation 202578 (VCV000202578.5), dbSNP rs755076118, ClinGen allele CA309644.

ClinVar aggregate classification (germline): Uncertain significance. Review status: criteria provided, multiple submitters, no conflicts (2 of 4 stars). 3 submissions from 3 submitters: Uncertain significance (3). Last evaluated 2025-09-03.

Conditions:
TTN-related disorder. Also called: TTN-related condition; TTN-related disease; TTN-related disorders.
Dilated cardiomyopathy 1G (CMD1G). Identifiers: Orphanet 154, MedGen C1858763, MONDO:0011400, OMIM 604145.
Autosomal recessive limb-girdle muscular dystrophy type 2J (LGMDR10). Also called: Limb-girdle muscular dystrophy, type 2J; MUSCULAR DYSTROPHY, LIMB-GIRDLE, AUTOSOMAL RECESSIVE 10. Identifiers: Orphanet 140922, MedGen C1837342, MONDO:0012127, OMIM 608807.

Allele frequency attached by ClinVar (database versions not stated): gnomAD 0.00001; gnomAD exomes 0.00001 and 0.00002; ExAC 0.00002; TOPMed 0.00005.
gnomAD v4.1: 5 of 1,614,178 alleles (0.00031%); highest among the groups gnomAD compares: East Asian, 0.0067%; no homozygotes.

Submissions (3):

PreventionGenetics, part of Exact Sciences
Classification: Uncertain significance for TTN-related condition. Last evaluated: 2025-09-03. Review status: criteria provided, single submitter. Criteria: ACMG Guidelines, 2015. Collection method: clinical testing. Allele origin: germline.
Comment: The TTN c.974T>C variant is predicted to result in the amino acid substitution p.Leu325Ser. To our knowledge, this variant has not been reported in the literature. This variant is reported in 0.022% of alleles in individuals of East Asian descent in gnomAD. At this time, the clinical significance of this variant is uncertain due to the absence of conclusive functional and genetic evidence.

Labcorp Genetics (formerly Invitae), Labcorp
Classification: Uncertain significance for Dilated cardiomyopathy 1G; Autosomal recessive limb-girdle muscular dystrophy type 2J. Last evaluated: 2017-12-20. Review status: criteria provided, single submitter. Criteria: Invitae Variant Classification Sherloc (09022015). Collection method: clinical testing. Allele origin: germline.

GeneDx
Classification: Uncertain significance. Last evaluated: 2014-11-25. Review status: criteria provided, single submitter. Criteria: GeneDx Variant Classification (06012015). Collection method: clinical testing. Allele origin: germline. Affected: yes.
Comment: Missense variants in the TTN gene are considered 'unclassified' if they are not previously reported in the literature and do not have >1% frequency in the population to be considered a polymorphism. Research indicates that truncating mutations in the TTN gene are expected to account for approximately 25% of familial and 18% of sporadic idiopathic DCM; however, truncating variants in the TTN gene have been reported in approximately 3% of reported control alleles. There has been little investigation into non-truncating variants. (Herman D et al. Truncations of titin causing dilated cardiomyopathy. N Eng J Med 366:619-628, 2012) The variant is found in CARDIOMYOPATHY panel(s).